The following is an entry in ClinVar:

NM_014339.7(IL17RA):c.139-2_139-1del

Gene: IL17RA (interleukin 17 receptor A; plus strand). Cytogenetic location: 22q11.1.
Variant type: Deletion.
Coding change: c.139-2_139-1del on transcript NM_014339.7 (MANE Select); the canonical splice acceptor site of the intron before coding-DNA position 139, 2 bases deleted (AG; older notation c.139-2_139-1delAG).
Molecular consequence: splice acceptor variant.
Genome position (GRCh38, 1-based): chr22:17,097,060-17,097,061, AG deleted. VCF-style (leftmost placement, unchanged base first): chr22-17097059-CAG-C. GRCh37 (hg19) VCF-style: chr22-17577949-CAG-C.
Other names: c.139-2_139-1del (NM_001289905.2); c.139-2_139-1delAG (NM_014339.7).
Identifiers: ClinVar variation 4849413 (VCV004849413.1).

ClinVar aggregate classification (germline): Likely pathogenic (1 of 4 stars; one submission).

Conditions:
Immunodeficiency 51 (IMD51). Also called: CANDIDIASIS, FAMILIAL, 5. Identifiers: Orphanet 1334, MedGen C4310803, MONDO:0013500, OMIM 613953.

Submission:

First Genomix Gene Laboratory, Genetic Diagnostics Department
Classification: Likely pathogenic for Immunodeficiency 51. Last evaluated: 2025-05-29. Review status: criteria provided, single submitter. Criteria: ACMG Guidelines, 2015. Collection method: clinical testing. Allele origin: germline. Inheritance: Autosomal recessive inheritance. Affected: no. Observed: 1 variant allele.